The following is an entry in ClinVar:

ClinVar aggregate classification (germline): Uncertain significance (1 of 4 stars; one submission).

Conditions:
Hereditary spastic paraplegia 63. Also called: Spastic paraplegia 63, autosomal recessive. Identifiers: Orphanet 401805, MedGen C3810295, MONDO:0014305, OMIM 615686.
Pontocerebellar hypoplasia type 9. Identifiers: Orphanet 369920, MedGen C4014354, MONDO:0014351, OMIM 615809.

Allele frequency attached by ClinVar (database versions not stated): gnomAD exomes below 0.00001; TOPMed below 0.00001; ExAC 0.00001.

Submission:

Labcorp Genetics (formerly Invitae), Labcorp
Classification: Uncertain significance for Pontocerebellar hypoplasia type 9; Hereditary spastic paraplegia 63. Last evaluated: 2022-06-14. Review status: criteria provided, single submitter. Criteria: Invitae Variant Classification Sherloc (09022015). Collection method: clinical testing. Allele origin: germline.
Comment: In summary, the available evidence is currently insufficient to determine the role of this variant in disease. Therefore, it has been classified as a Variant of Uncertain Significance. Algorithms developed to predict the effect of missense changes on protein structure and function are either unavailable or do not agree on the potential impact of this missense change (SIFT: "Deleterious"; PolyPhen-2: "Benign"; Align-GVGD: "Class C0"). This variant has not been reported in the literature in individuals affected with AMPD2-related conditions. This variant is present in population databases (rs772196474, gnomAD 0.0009%). This sequence change replaces serine, which is neutral and polar, with leucine, which is neutral and non-polar, at codon 547 of the AMPD2 protein (p.Ser547Leu).

NM_001368809.2(AMPD2):c.1478C>T (p.Ser493Leu)

Genes: AMPD2 (adenosine monophosphate deaminase 2; plus strand), LOC126805822 (BRD4-independent group 4 enhancer GRCh37_chr1:110170748-110171947; plus strand). Cytogenetic location: 1p13.3.
Variant type: single nucleotide variant.
Coding change: c.1478C>T on transcript NM_001368809.2 (MANE Select); coding-DNA position 1478, C replaced by T.
Protein change: p.Ser493Leu; replaces serine 493 with leucine.
Molecular consequence: missense variant.
Genome position (GRCh38, 1-based): chr1:109,628,713, C>T. VCF-style: chr1-109628713-C-T. GRCh37 (hg19) VCF-style: chr1-110171335-C-T.
Other names: c.1640C>T, p.Ser547Leu (NM_001257360.2); c.1286C>T, p.Ser429Leu (NM_001257361.2); c.1415C>T, p.Ser472Leu (NM_001308170.1); c.1478C>T, p.Ser493Leu (NM_004037.9); c.1397C>T, p.Ser466Leu (NM_139156.4); short protein forms S493L, S466L, S429L, S547L, S472L.
Identifiers: ClinVar variation 2181065 (VCV002181065.4), dbSNP rs772196474, ClinGen allele CA993115.
Genomic context (GRCh38, chr1:109,628,713, plus strand): 5'-CAGACCTGGAGGAGAGCAAATACCAGAATGCAGAGCTGCGGCTCTCCATTTACGGGCGCT[C>T]GAGGGATGAGTGGGACAAGCTGGCGCGCTGGGCCGTCATGCACCGCGTGCACTCCCCCAA-3'
Protein context (NP_001355738.1, residues 483-503): AELRLSIYGR[Ser493Leu]RDEWDKLARW